The following is an entry in ClinVar:

ClinVar aggregate classification (germline): Pathogenic. Review status: criteria provided, multiple submitters, no conflicts (2 of 4 stars). 19 submissions from 19 submitters: Pathogenic (12). 7 of the submissions do not count toward it. Last evaluated 2025-12-29.

Conditions:
Gastric cancer. Also called: Stomach cancer; Malignant tumor of stomach. Identifiers: MedGen C0024623, MeSH D013274, MONDO:0001056, OMIM 613659, HP:0012126.
Hereditary cancer-predisposing syndrome. Also called: Tumor predisposition; Neoplastic Syndromes, Hereditary; Hereditary neoplastic syndrome; Hereditary Cancer Syndrome. Identifiers: Orphanet 140162, MedGen C0027672, MeSH D009386, MONDO:0015356.
Carcinoma of colon (CRC). Also called: Colon carcinoma; Colonic carcinoma. Identifiers: MedGen C0699790, MONDO:0002032.
Familial colorectal cancer. Identifiers: MedGen CN280943, MONDO:0023113. Disease mechanism: loss of function.
Familial adenomatous polyposis 2. Also called: COLORECTAL ADENOMATOUS POLYPOSIS, AUTOSOMAL RECESSIVE; ADENOMAS, MULTIPLE COLORECTAL, AUTOSOMAL RECESSIVE; FAP type 2; MYH-associated polyposis; MUTYH-related attenuated familial adenomatous polyposis; Adenomas, multiple colorectal. Identifiers: Orphanet 220460, Orphanet 247798, MedGen C3272841, MONDO:0012041, OMIM 608456.
Breast carcinoma. Also called: Carcinoma of breast. Identifiers: MedGen C0678222, MONDO:0004989, HP:0003002.

Allele frequency attached by ClinVar (database versions not stated): ExAC 0.00001; gnomAD exomes 0.00001.
gnomAD v4.1: 15 of 1,613,952 alleles (0.00093%); highest among the groups gnomAD compares: Middle Eastern, 0.016%; no homozygotes.

Submissions 1 to 16 of 19:

Center for Genomic Medicine, Rigshospitalet, Copenhagen University Hospital
Classification: Pathogenic. Last evaluated: 2025-12-29. Review status: criteria provided, single submitter. Criteria: ACMG Guidelines, 2015. Collection method: clinical testing. Allele origin: germline.

Labcorp Genetics (formerly Invitae), Labcorp
Classification: Pathogenic for Familial adenomatous polyposis 2. Last evaluated: 2025-11-19. Review status: criteria provided, single submitter. Criteria: Invitae Variant Classification Sherloc (09022015). Collection method: clinical testing. Allele origin: germline.
Comment: This sequence change creates a premature translational stop signal (p.Gln391*) in the MUTYH gene. It is expected to result in an absent or disrupted protein product. Loss-of-function variants in MUTYH are known to be pathogenic (PMID: 18534194, 20663686). This variant is present in population databases (rs587783057, gnomAD 0.004%). This premature translational stop signal has been observed in individual(s) with MUTYH-associated polyposis (PMID: 16140997, 19732775, 24444654). This variant is also known as c.1129C>T (p.Q377X). ClinVar contains an entry for this variant (Variation ID: 156509). RNA analysis performed to evaluate the impact of this premature translational stop signal on mRNA splicing indicates it does not significantly alter splicing (internal data). For these reasons, this variant has been classified as Pathogenic.

Color Diagnostics, LLC DBA Color Health
Classification: Pathogenic for Hereditary cancer-predisposing syndrome. Last evaluated: 2025-04-08. Review status: criteria provided, single submitter. Criteria: ACMG Guidelines, 2015. Collection method: clinical testing. Allele origin: germline.
Comment: This variant changes 1 nucleotide in exon 12 of the MUTYH gene, creating a premature translation stop signal. This variant is expected to result in an absent or non-functional protein product. To our knowledge, functional studies have not been reported for this variant. This variant has been reported in individuals affected with colorectal polyposis and/or cancer in the homozygous or compound heterozygous state with another pathogenic variant (PMID: 16140997, 18564191, 19732775, 24444654, 27829682). This variant has been identified in 3/249660 chromosomes in the general population by the Genome Aggregation Database (gnomAD). Loss of MUTYH function is a known mechanism of disease. Based on the available evidence, this variant is classified as Pathogenic.

Ambry Genetics
Classification: Pathogenic for Hereditary cancer-predisposing syndrome. Last evaluated: 2024-12-30. Review status: criteria provided, single submitter. Criteria: Ambry Variant Classification Scheme 2023. Collection method: clinical testing. Allele origin: germline.
Comment: The p.Q391* pathogenic mutation (also known as c.1171C>T), located in coding exon 12 of the MUTYH gene, results from a C to T substitution at nucleotide position 1171. This changes the amino acid from a glutamine to a stop codon within coding exon 12. This alteration has been previously described in multiple individuals with attenuated polyposis and/or colon cancer in homozygous state or in conjugation with another pathogenic MUTYH alteration (Nielsen M et al. J. Med. Genet. 2005 42(9):e54; Croitoru M et al. J. Surg. Oncol. 2007; 95(6):499-506; Olschwang S et al. Genet. Test. 2007; 11(3):315-20; Jones N et al. Gastroenterology 2009; 137(2):489-94, 494.e1; Vogt S et al. Gastroenterology 2009; 137(6):1976-85.e1-10; Ricci MT et al. J. Hum. Genet., 2017 Feb;62:309-315; Aretz S et al. Int J Cancer 2006 Aug;119(4):807-14). Of note, this alteration is also designated as Q377X in published literature. In addition to the clinical data presented in the literature, this alteration is expected to result in loss of function by premature protein truncation or nonsense-mediated mRNA decay. As such, this alteration is interpreted as a disease-causing mutation.

CeGaT Center for Human Genetics Tuebingen
Classification: Pathogenic. Last evaluated: 2024-07-01. Review status: criteria provided, single submitter. Criteria: CeGaT Center For Human Genetics Tuebingen Variant Classification Criteria Version 2. Collection method: clinical testing. Allele origin: germline. Affected: yes. Observed: 1 variant allele.
Comment: MUTYH: PVS1, PM2, PM3

GeneDx
Classification: Pathogenic. Last evaluated: 2024-04-09. Review status: criteria provided, single submitter. Criteria: GeneDx Variant Classification Process June 2021. Collection method: clinical testing. Allele origin: germline. Affected: yes.
Comment: Nonsense variant predicted to result in protein truncation or nonsense mediated decay in a gene for which loss of function is a known mechanism of disease; Published functional studies demonstrate a damaging effect: severely defective glycosylase and DNA binding activities (PMID: 18534194); Not observed at significant frequency in large population cohorts (gnomAD); Also known as Gln377Ter; This variant is associated with the following publications: (PMID: 21061173, 27829682, 32980694, 34761457, 34637943, 25525159, 21171015, 19531215, 17949294, 22402879, 16140997, 27194394, 26202870, 19032956, 17219385, 19245865, 16557584, 19732775, 31207142, 34426522, 31589614, 30787465, 35418818, 36988593, 36555431, 34428338, 33309985, 35988656, 36243179, 18564191, 24444654, 34981295, 35261632, 37453313, 18534194)

Baylor Genetics
Classification: Pathogenic for Familial adenomatous polyposis 2. Last evaluated: 2024-02-22. Review status: criteria provided, single submitter. Criteria: ACMG Guidelines, 2015. Collection method: clinical testing. Allele origin: unknown.

Dasa
Classification: Pathogenic for Familial colorectal cancer. Last evaluated: 2022-04-10. Review status: criteria provided, single submitter. Criteria: ACMG Guidelines, 2015. Collection method: clinical testing. Allele origin: germline. Affected: yes. Observed: 1 variant allele.
Comment: The c.1171C>T;p.(Gln391*) variant creates a premature translational stop signal in the MUTYH gene. It is expected to result in an absent or disrupted protein product -PVS1. This sequence change has been observed in affected individual(s) and ClinVar contains an entry for this variant (ClinVar ID: 156509; PMID: 16140997; PMID: 19732775; PMID: 24444654; PMID: 18534194; PMID: 20663686; PMID: 16557584; PMID: 17219385) - PS4. The variant is present at low allele frequencies population databases (rs587783057 – gnomAD 0.0001202%; ABraOM no frequency) - PM2_supporting. In summary, the currently available evidence indicates that the variant is pathogenic

Revvity Omics, Revvity
Classification: Pathogenic for Familial adenomatous polyposis 2. Last evaluated: 2022-03-07. Review status: criteria provided, single submitter. Criteria: ACMG Guidelines, 2015. Collection method: clinical testing. Allele origin: germline.

GeneKor MSA
Classification: Pathogenic for Hereditary cancer-predisposing syndrome. Last evaluated: 2021-01-09. Review status: criteria provided, single submitter. Criteria: ACMG Guidelines, 2015. Collection method: clinical testing. Allele origin: germline. Affected: yes.

Mendelics
Classification: Pathogenic for MYH-associated polyposis. Last evaluated: 2018-07-02. Review status: criteria provided, single submitter. Criteria: Mendelics Assertion Criteria 2017. Collection method: clinical testing. Allele origin: unknown.

Quest Diagnostics Nichols Institute San Juan Capistrano
Classification: Pathogenic. Last evaluated: 2017-11-24. Review status: criteria provided, single submitter. Criteria: Quest Diagnostics criteria. Collection method: clinical testing. Allele origin: germline.

Medical Genetics Laboratory, Umraniye Training and Research Hospital, University of Health Sciences
Classification: Pathogenic for Breast carcinoma. Last evaluated: 2021-08-19. Review status: no assertion criteria provided. Collection method: clinical testing. Allele origin: germline. Affected: yes. Observed: 1 variant allele, 1 heterozygote. Not counted in ClinVar's aggregate classification.
Comment: Invasive Ductal Carcinoma Estrogen Receptor: Positive Progesterone Receptor: Positive HER2 Receptor: Negative

Laboratory for Genotyping Development, RIKEN
Classification: Pathogenic for Gastric cancer. Last evaluated: 2021-07-01. Review status: no assertion criteria provided. Collection method: research. Allele origin: germline. Not counted in ClinVar's aggregate classification.

Counsyl
Classification: Pathogenic for Familial adenomatous polyposis 2. Last evaluated: 2016-06-08. Review status: no assertion criteria provided. Collection method: clinical testing. Allele origin: unknown. Not counted in ClinVar's aggregate classification.

Pathway Genomics
Classification: Pathogenic for Carcinoma of colon. Last evaluated: 2014-07-24. Review status: no assertion criteria provided. Collection method: clinical testing. Allele origin: germline. Not counted in ClinVar's aggregate classification.

NM_001048174.2(MUTYH):c.1087C>T (p.Gln363Ter)

Gene: MUTYH (mutY DNA glycosylase; minus strand). Cytogenetic location: 1p34.1.
Variant type: single nucleotide variant.
Coding change: c.1087C>T on transcript NM_001048174.2 (MANE Select); coding-DNA position 1087, C replaced by T.
Protein change: p.Gln363Ter; replaces glutamine 363 with a stop codon.
Molecular consequence: nonsense. On other transcripts: non-coding transcript variant (2).
Genome position (GRCh38, 1-based): chr1:45,331,676, G>A on the plus strand (C>T on the coding strand, the complement: MUTYH is on the minus strand). VCF-style: chr1-45331676-G-A. GRCh37 (hg19) VCF-style: chr1-45797348-G-A.
Other names: c.1087C>T, p.Gln363Ter (NM_001048171.2, NM_001048173.2, NM_001293195.2); c.1090C>T, p.Gln364Ter (NM_001048172.2); c.1171C>T, p.Gln391Ter (NM_001128425.2); c.1132C>T, p.Gln378Ter (NM_001293190.2); c.1120C>T, p.Gln374Ter (NM_001293191.2); c.811C>T, p.Gln271Ter (NM_001293192.2, NM_001293196.2); c.742C>T, p.Gln248Ter (NM_001350650.2, NM_001350651.2); c.1162C>T, p.Gln388Ter (NM_012222.3); short protein forms Q391*, Q377*, Q271*, Q364*, Q374*, Q378*, Q388*, Q363*.
Identifiers: ClinVar variation 156509 (VCV000156509.70), dbSNP rs587783057, ClinGen allele CA012199.